The following is an entry in ClinVar:

NM_001379451.1(BCORL1):c.4143G>A (p.Arg1381=)

Gene: BCORL1 (BCL6 corepressor like 1; plus strand). Cytogenetic location: Xq26.1.
Variant type: single nucleotide variant.
Coding change: c.4143G>A on transcript NM_001379451.1 (MANE Select); coding-DNA position 4143, G replaced by A.
Protein change: p.Arg1381=; no amino-acid change (arginine 1381 retained).
Molecular consequence: synonymous variant.
Genome position (GRCh38, 1-based): chrX:130,028,699, G>A. VCF-style: chrX-130028699-G-A. GRCh37 (hg19) VCF-style: chrX-129162674-G-A.
Other names: c.4143G>A, p.Arg1381= (NM_001184772.3, NM_001379450.1, NM_021946.5 and 3 more transcripts); c.3753G>A, p.Arg1251= (NM_001441332.1, NM_001441329.1, NM_001441330.1 and 1 more transcripts).
Identifiers: ClinVar variation 4281549 (VCV004281549.7).

ClinVar aggregate classification (germline): Uncertain significance (1 of 4 stars; one submission).

Submission:

CeGaT Center for Human Genetics Tuebingen
Classification: Uncertain significance. Last evaluated: 2025-09-01. Review status: criteria provided, single submitter. Criteria: CeGaT Center For Human Genetics Tuebingen Variant Classification Criteria Version 2. Collection method: clinical testing. Allele origin: germline. Affected: yes. Observed: 1 variant allele.
Comment: BCORL1: PM2:Supporting, BP4